The following is an entry in ClinVar:

NM_000548.5(TSC2):c.4473del (p.Val1492fs)

Gene: TSC2 (TSC complex subunit 2; plus strand). Cytogenetic location: 16p13.3.
Variant type: Deletion.
Coding change: c.4473del on transcript NM_000548.5 (MANE Select); coding-DNA position 4473, one base deleted (A; older notation c.4473delA).
Protein change: p.Val1492fs; shifts the reading frame from valine 1492.
Molecular consequence: frameshift variant.
Genome position (GRCh38, 1-based): chr16:2,084,695, A deleted; the last of 3 consecutive A bases (chr16:2,084,693-2,084,695); deleting any one gives the same sequence. VCF-style (leftmost placement, unchanged base first): chr16-2084692-GA-G. GRCh37 (hg19) VCF-style: chr16-2134693-GA-G.
Other names: c.4272del, p.Val1425fs (NM_001077183.3); c.4404del, p.Val1469fs (NM_001114382.3); c.4164del, p.Val1389fs (NM_001318827.2); c.4128del, p.Val1377fs (NM_001318829.2); c.3741del, p.Val1248fs (NM_001318831.2); c.4305del, p.Val1436fs (NM_001318832.2); c.4275del, p.Val1426fs (NM_001363528.2); c.4341del, p.Val1448fs (NM_001370404.1); and 1 more; short protein forms V1436fs, V1449fs, V1469fs, V1377fs, V1389fs, V1448fs, V1248fs, V1425fs.
Identifiers: ClinVar variation 238047 (VCV000238047.12), dbSNP rs397515023, ClinGen allele CA10583334.

ClinVar aggregate classification (germline): Pathogenic. Review status: criteria provided, multiple submitters, no conflicts (2 of 4 stars). 4 submissions from 4 submitters: Pathogenic (4). Last evaluated 2026-01-26.

Conditions:
Tuberous sclerosis 2 (TSC2). Identifiers: Orphanet 805, MedGen C1860707, MONDO:0013199, OMIM 613254.
Lymphangiomyomatosis (LAM). Also called: Lymphangioleiomyomatosis; Lymphangioleiomyomatosis, somatic. Identifiers: Orphanet 538, MedGen C0751674, MONDO:0011705, OMIM 606690.

Submissions (4):

Labcorp Genetics (formerly Invitae), Labcorp
Classification: Pathogenic for Tuberous sclerosis 2. Last evaluated: 2026-01-26. Review status: criteria provided, single submitter. Criteria: Invitae Variant Classification Sherloc (09022015). Collection method: clinical testing. Allele origin: germline.
Comment: This sequence change creates a premature translational stop signal (p.Val1492Cysfs*84) in the TSC2 gene. It is expected to result in an absent or disrupted protein product. Loss-of-function variants in TSC2 are known to be pathogenic (PMID: 10205261, 17304050). This variant is not present in population databases (gnomAD no frequency). This premature translational stop signal has been observed in individual(s) with tuberous sclerosis complex (PMID: 29932062). ClinVar contains an entry for this variant (Variation ID: 238047). For these reasons, this variant has been classified as Pathogenic.

Genome-Nilou Lab
Classification: Pathogenic for Tuberous sclerosis 2. Last evaluated: 2021-11-07. Review status: criteria provided, single submitter. Criteria: ACMG Guidelines, 2015. Collection method: clinical testing. Allele origin: germline. Affected: no.

GeneDx
Classification: Pathogenic. Last evaluated: 2016-04-19. Review status: criteria provided, single submitter. Criteria: GeneDx Variant Classification (06012015). Collection method: clinical testing. Allele origin: germline. Affected: yes.
Comment: The c.4473delA pathogenic variant in the TSC2 gene has been reported previously in an individual with suspected tuberous sclerosis complex (TSC2 LOVD). The deletion causes a frameshift starting with codon Valine 1492, changes this amino acid to a Cysteine residue and creates a premature Stop codon at position 84 of the new reading frame, denoted p.Val1492CysfsX84. This pathogenic variant is predicted to cause loss of normal protein function either through protein truncation or nonsense-mediated mRNA decay. Additionally, it was not observed in approximately 6,500 individuals of European and African American ancestry in the NHLBI Exome Sequencing Project, indicating it is not a common benign variant in these populations.

Centre for Mendelian Genomics, University Medical Centre Ljubljana
Classification: Pathogenic for Lymphangiomyomatosis. Last evaluated: 2016-01-01. Review status: criteria provided, single submitter. Criteria: ACMG Guidelines, 2015. Collection method: clinical testing. Allele origin: unknown. Affected: yes.
Comment: This variant was classified as: Pathogenic. The following ACMG criteria were applied in classifying this variant: PVS1,PS1,PM2.

Literature cited by the submitters: PubMed 10205261 (cited by Labcorp Genetics (formerly Invitae), Labcorp); PubMed 17304050 (cited by Labcorp Genetics (formerly Invitae), Labcorp); PubMed 29932062 (cited by Labcorp Genetics (formerly Invitae), Labcorp).